The following is an entry in ClinVar:

ClinVar aggregate classification (germline): Uncertain significance (1 of 4 stars; one submission).

gnomAD v4.1: 1 of 1,614,106 alleles (0.000062%); highest among the groups gnomAD compares: Non-Finnish European, 0.000085%; no homozygotes.

Submission:

Ambry Genetics
Classification: Uncertain significance. Last evaluated: 2025-02-05. Review status: criteria provided, single submitter. Criteria: Ambry Variant Classification Scheme 2023. Collection method: clinical testing. Allele origin: germline.
Comment: The p.G146C variant (also known as c.436G>T), located in coding exon 3 of the GEN1 gene, results from a G to T substitution at nucleotide position 436. The glycine at codon 146 is replaced by cysteine, an amino acid with highly dissimilar properties. This amino acid position is conserved. In addition, the in silico prediction for this alteration is inconclusive. Based on the available evidence, the clinical significance of this variant remains unclear.

NM_001130009.3(GEN1):c.436G>T (p.Gly146Cys)

Gene: GEN1 (GEN1 Holliday junction 5' flap endonuclease; plus strand). Cytogenetic location: 2p24.2.
Variant type: single nucleotide variant.
Coding change: c.436G>T on transcript NM_001130009.3 (MANE Select); coding-DNA position 436, G replaced by T.
Protein change: p.Gly146Cys; replaces glycine 146 with cysteine.
Molecular consequence: missense variant.
Genome position (GRCh38, 1-based): chr2:17,764,984, G>T. VCF-style: chr2-17764984-G-T. GRCh37 (hg19) VCF-style: chr2-17946251-G-T.
Other names: c.436G>T, p.Gly146Cys (NM_182625.5); short protein forms G146C.
Identifiers: ClinVar variation 3853551 (VCV003853551.1).